The following is an entry in ClinVar:

NM_022436.3(ABCG5):c.501+1G>A

Gene: ABCG5 (ATP binding cassette subfamily G member 5; minus strand). Cytogenetic location: 2p21.
Variant type: single nucleotide variant.
Coding change: c.501+1G>A on transcript NM_022436.3 (MANE Select); the canonical splice donor site of the intron after coding-DNA position 501, G replaced by A.
Molecular consequence: splice donor variant.
Genome position (GRCh38, 1-based): chr2:43,831,768, C>T on the plus strand (G>A on the coding strand, the complement: ABCG5 is on the minus strand). VCF-style: chr2-43831768-C-T. GRCh37 (hg19) VCF-style: chr2-44058907-C-T.
Identifiers: ClinVar variation 3678944 (VCV003678944.2).

ClinVar aggregate classification (germline): Likely pathogenic (1 of 4 stars; one submission).

Conditions:
Sitosterolemia (STSL). Also called: PHYTOSTEROLEMIA. Identifiers: Orphanet 2882, MedGen C0342907, MONDO:0008863.

Submission:

Labcorp Genetics (formerly Invitae), Labcorp
Classification: Likely pathogenic for Sitosterolemia. Last evaluated: 2025-01-28. Review status: criteria provided, single submitter. Criteria: Invitae Variant Classification Sherloc (09022015). Collection method: clinical testing. Allele origin: germline.
Comment: This sequence change affects a donor splice site in intron 4 of the ABCG5 gene. It is expected to disrupt RNA splicing. Variants that disrupt the donor or acceptor splice site typically lead to a loss of protein function (PMID: 16199547), and loss-of-function variants in ABCG5 are known to be pathogenic (PMID: 11138003, 25665839). This variant is not present in population databases (gnomAD no frequency). This variant has not been reported in the literature in individuals affected with ABCG5-related conditions. Algorithms developed to predict the effect of sequence changes on RNA splicing suggest that this variant may disrupt the consensus splice site. In summary, the currently available evidence indicates that the variant is pathogenic, but additional data are needed to prove that conclusively. Therefore, this variant has been classified as Likely Pathogenic.

Literature cited by the submitters: PubMed 16199547; PubMed 11138003; PubMed 25665839.